The following is an entry in ClinVar:

NC_000022.11:g.40345563C>T

Gene: ADSL (adenylosuccinate lyase; plus strand). Cytogenetic location: 22q13.1.
Variant type: single nucleotide variant.
Genome position: GRCh38 VCF-style: chr22-40345563-C-T. GRCh37 (hg19) VCF-style: chr22-40741567-C-T.
Identifiers: ClinVar variation 1379789 (VCV001379789.6), dbSNP rs1014469698, ClinGen allele CA324446215.
Genomic context (GRCh38, chr22:40,345,563, plus strand): 5'-CTCCAGATGAACCCTTTCCTGTGTGATCACCCCACTGGCACTCCAGACTGAACAACATAG[C>T]AAGACCCTGTCAAAAAAAAAAAAAAGGGGGGGGGCCACTTGAGTGTTTCTATTTCTATTT-3'

ClinVar aggregate classification (germline): Uncertain significance (1 of 4 stars; one submission).

Conditions:
Adenylosuccinate lyase deficiency (ADSLD). Also called: ADSL DEFICIENCY. Identifiers: Orphanet 46, MedGen C0268126, MONDO:0007068, OMIM 103050.

Allele frequency attached by ClinVar (database versions not stated): gnomAD 0.00001; TOPMed 0.00001.

Submission:

Labcorp Genetics (formerly Invitae), Labcorp
Classification: Uncertain significance for Adenylosuccinate lyase deficiency. Last evaluated: 2022-03-22. Review status: criteria provided, single submitter. Criteria: Invitae Variant Classification Sherloc (09022015). Collection method: clinical testing. Allele origin: germline.
Comment: Experimental studies and prediction algorithms are not available or were not evaluated, and the functional significance of this variant is currently unknown. In summary, the available evidence is currently insufficient to determine the role of this variant in disease. Therefore, it has been classified as a Variant of Uncertain Significance. Algorithms developed to predict the effect of sequence changes on RNA splicing suggest that this variant may create or strengthen a splice site. This variant has not been reported in the literature in individuals affected with ADSL-related conditions. The frequency data for this variant in the population databases is considered unreliable, as metrics indicate insufficient coverage at this position in the gnomAD database. This variant occurs in a non-coding region of the ADSL gene. It does not change the encoded amino acid sequence of the ADSL protein.